The following is an entry in ClinVar:

ClinVar aggregate classification (germline): Uncertain significance (1 of 4 stars; one submission).

Conditions:
Growth hormone insensitivity with immune dysregulation 1, autosomal recessive. Also called: LARON SYNDROME DUE TO POSTRECEPTOR DEFECT; GROWTH HORMONE INSENSITIVITY SYNDROME WITH IMMUNE DYSREGULATION 1, AUTOSOMAL RECESSIVE; GROWTH HORMONE INSENSITIVITY DUE TO POSTRECEPTOR DEFECT; Laron syndrome with immunodeficiency. Identifiers: Orphanet 220465, MedGen C5435698, MONDO:0100211, OMIM 245590.

Allele frequency attached by ClinVar (database versions not stated): gnomAD exomes below 0.00001.

Submission:

Labcorp Genetics (formerly Invitae), Labcorp
Classification: Uncertain significance for Growth hormone insensitivity with immune dysregulation 1, autosomal recessive. Last evaluated: 2021-11-06. Review status: criteria provided, single submitter. Criteria: Invitae Variant Classification Sherloc (09022015). Collection method: clinical testing. Allele origin: germline.
Comment: This sequence change replaces arginine, which is basic and polar, with cysteine, which is neutral and slightly polar, at codon 659 of the STAT5B protein (p.Arg659Cys). This variant is present in population databases (no rsID available, gnomAD 0.004%). This variant has not been reported in the literature in individuals affected with STAT5B-related conditions. Algorithms developed to predict the effect of missense changes on protein structure and function (SIFT, PolyPhen-2, Align-GVGD) all suggest that this variant is likely to be disruptive. In summary, the available evidence is currently insufficient to determine the role of this variant in disease. Therefore, it has been classified as a Variant of Uncertain Significance.

NM_012448.4(STAT5B):c.1975C>T (p.Arg659Cys)

Gene: STAT5B (signal transducer and activator of transcription 5B; minus strand). Cytogenetic location: 17q21.2.
Variant type: single nucleotide variant.
Coding change: c.1975C>T on transcript NM_012448.4 (MANE Select); coding-DNA position 1975, C replaced by T.
Protein change: p.Arg659Cys; replaces arginine 659 with cysteine.
Molecular consequence: missense variant.
Genome position (GRCh38, 1-based): chr17:42,207,660, G>A on the plus strand (C>T on the coding strand, the complement: STAT5B is on the minus strand). VCF-style: chr17-42207660-G-A. GRCh37 (hg19) VCF-style: chr17-40359678-G-A.
Other names: short protein forms R659C.
Identifiers: ClinVar variation 1383755 (VCV001383755.6), dbSNP rs1188688435, ClinGen allele CA399575842.